The following is an entry in ClinVar:

ClinVar aggregate classification (germline): Uncertain significance. Review status: criteria provided, multiple submitters, no conflicts (2 of 4 stars). 2 submissions from 2 submitters: Uncertain significance (2). Last evaluated 2026-01-09.

Conditions:
KBG syndrome (KBGS). Also called: ANKRD11-Related KBG Syndrome. Identifiers: Orphanet 2332, MedGen C0220687, MONDO:0007846, OMIM 148050.

Allele frequency attached by ClinVar (database versions not stated): TOPMed 0.00001; gnomAD exomes 0.00002; gnomAD 0.00001.
gnomAD v4.1: 28 of 1,605,356 alleles (0.0017%); highest among the groups gnomAD compares: Non-Finnish European, 0.0023%; 1 homozygote.

Submissions (2):

Labcorp Genetics (formerly Invitae), Labcorp
Classification: Uncertain significance for KBG syndrome. Last evaluated: 2026-01-09. Review status: criteria provided, single submitter. Criteria: Invitae Variant Classification Sherloc (09022015). Collection method: clinical testing. Allele origin: germline.
Comment: This sequence change replaces lysine, which is basic and polar, with arginine, which is basic and polar, at codon 791 of the ANKRD11 protein (p.Lys791Arg). This variant is not present in population databases (gnomAD no frequency). This variant has not been reported in the literature in individuals affected with ANKRD11-related conditions. ClinVar contains an entry for this variant (Variation ID: 1805382). Invitae Evidence Modeling of protein sequence and biophysical properties (such as structural, functional, and spatial information, amino acid conservation, physicochemical variation, residue mobility, and thermodynamic stability) indicates that this missense variant is not expected to disrupt ANKRD11 protein function with a negative predictive value of 95%. In summary, the available evidence is currently insufficient to determine the role of this variant in disease. Therefore, it has been classified as a Variant of Uncertain Significance.

Victorian Clinical Genetics Services, Murdoch Childrens Research Institute
Classification: Uncertain significance for KBG syndrome. Last evaluated: 2022-03-31. Review status: criteria provided, single submitter. Criteria: ACMG Guidelines, 2015. Collection method: clinical testing. Allele origin: germline. Inheritance: Autosomal dominant inheritance. Affected: yes.
Comment: Based on the classification scheme VCGS_Germline_v1.3.4, this variant is classified as VUS-3C. Following criteria are met: 0102 - Loss of function is a known mechanism of disease in this gene and is associated with KBG syndrome (MIM#148050) (I) 0107 - This gene is associated with autosomal dominant disease. (I) 0115 - Variants in this gene are known to have variable expressivity. Intra-familial variability is commonly reported (PMID: 29258554). (I) 0200 - Variant is predicted to result in a missense amino acid change from lysine to arginine. (I) 0251 - This variant is heterozygous. (I) 0302 - Variant is present in gnomAD <0.001 for a dominant condition (v3: 1 heterozygote, 0 homozygotes). (I) 0504 - Same amino acid change has been observed in placental mammals. (SB) 0604 - Variant is not located in an established domain, motif, hotspot or informative constraint region. (I) 0705 - No comparable missense variants have previous evidence for pathogenicity. (I) 0807 - This variant has no previous evidence of pathogenicity. (I) 0905 - No published segregation evidence has been identified for this variant. (I) 1007 - No published functional evidence has been identified for this variant. (I) 1208 - Inheritance information for this variant is not currently available in this individual. (I) Legend: (SP) - Supporting pathogenic, (I) - Information, (SB) - Supporting benign

Literature cited by the submitters: PubMed 29258554 (cited by Victorian Clinical Genetics Services, Murdoch Childrens Research Institute).

NM_013275.6(ANKRD11):c.2372A>G (p.Lys791Arg)

Gene: ANKRD11 (ankyrin repeat domain 11; minus strand). Cytogenetic location: 16q24.3.
Variant type: single nucleotide variant.
Coding change: c.2372A>G on transcript NM_013275.6 (MANE Select); coding-DNA position 2372, A replaced by G.
Protein change: p.Lys791Arg; replaces lysine 791 with arginine.
Molecular consequence: missense variant.
Genome position (GRCh38, 1-based): chr16:89,284,170, T>C on the plus strand (A>G on the coding strand, the complement: ANKRD11 is on the minus strand). VCF-style: chr16-89284170-T-C. GRCh37 (hg19) VCF-style: chr16-89350578-T-C.
Other names: c.2372A>G, p.Lys791Arg (NM_001256182.2, NM_001256183.2); short protein forms K791R.
Identifiers: ClinVar variation 1805382 (VCV001805382.2), dbSNP rs1423017592, ClinGen allele CA397162565.